The following is an entry in ClinVar:

NM_144508.5(KNL1):c.4000C>T (p.Pro1334Ser)

Gene: KNL1 (kinetochore scaffold 1; plus strand). Cytogenetic location: 15q15.1.
Variant type: single nucleotide variant.
Coding change: c.4000C>T on transcript NM_144508.5 (MANE Select); coding-DNA position 4000, C replaced by T.
Protein change: p.Pro1334Ser; replaces proline 1334 with serine.
Molecular consequence: missense variant.
Genome position (GRCh38, 1-based): chr15:40,624,264, C>T. VCF-style: chr15-40624264-C-T. GRCh37 (hg19) VCF-style: chr15-40916462-C-T.
Other names: c.4078C>T, p.Pro1360Ser (NM_170589.5); short protein forms P1334S, P1360S.
Identifiers: ClinVar variation 315860 (VCV000315860.5), dbSNP rs148070447, ClinGen allele CA7483108.

ClinVar aggregate classification (germline): Likely benign (1 of 4 stars; one submission).

Conditions:
Microcephaly 4, primary, autosomal recessive. Identifiers: Orphanet 2512, MedGen C1858516, MONDO:0011437, OMIM 604321.

Allele frequency attached by ClinVar (database versions not stated): gnomAD 0.00021 and 0.00036; TOPMed 0.00044; ExAC 0.00080; gnomAD exomes 0.00080; 1000 Genomes Project 0.00220; 1000 Genomes Project 30x 0.00250.

Submission:

Illumina Laboratory Services, Illumina
Classification: Likely benign for Microcephaly 4, primary, autosomal recessive. Last evaluated: 2018-01-13. Review status: criteria provided, single submitter. Criteria: ICSL Variant Classification Criteria 13 December 2019. Collection method: clinical testing. Allele origin: germline.
Comment: This variant was observed in the ICSL laboratory as part of a predisposition screen in an ostensibly healthy population. It had not been previously curated by ICSL or reported in the Human Gene Mutation Database (HGMD: prior to June 1st, 2018), and was therefore a candidate for classification through an automated scoring system. Utilizing variant allele frequency, disease prevalence and penetrance estimates, and inheritance mode, an automated score was calculated to assess if this variant is too frequent to cause the disease. Based on the score and internal cut-off values, a variant classified as likely benign is not then subjected to further curation. The score for this variant resulted in a classification of likely benign for this disease.